The following is an entry in ClinVar:

ClinVar aggregate classification (germline): Uncertain significance. Review status: criteria provided, multiple submitters, no conflicts (2 of 4 stars). 4 submissions from 4 submitters: Uncertain significance (4). Last evaluated 2024-05-29.

Conditions:
Inborn genetic diseases. Identifiers: MedGen C0950123, MeSH D030342.
Deficiency of ferroxidase (ACEP). Also called: Aceruloplasminemia; NEURODEGENERATION WITH BRAIN IRON ACCUMULATION 10; Deficiency of ceruloplasmin; Ceruloplasmin deficiency; Familial apoceruloplasmin deficiency; Hereditary ceruloplasmin deficiency. Identifiers: Orphanet 48818, MedGen C0878682, MONDO:0011426, OMIM 604290, HP:0025498.

Allele frequency attached by ClinVar (database versions not stated): gnomAD 0.00002; gnomAD exomes 0.00002 and 0.00005; TOPMed 0.00002; ExAC 0.00007.
gnomAD v4.1: 48 of 1,613,762 alleles (0.003%); highest among the groups gnomAD compares: East Asian, 0.0045%; no homozygotes.

Submissions (4):

Ambry Genetics
Classification: Uncertain significance for Inborn genetic diseases. Last evaluated: 2024-05-29. Review status: criteria provided, single submitter. Criteria: Ambry Variant Classification Scheme 2023. Collection method: clinical testing. Allele origin: germline.

Blueprint Genetics
Classification: Uncertain significance. Last evaluated: 2022-08-10. Review status: criteria provided, single submitter. Criteria: ACMG Guidelines, 2015. Collection method: clinical testing. Allele origin: germline.

Labcorp Genetics (formerly Invitae), Labcorp
Classification: Uncertain significance for Deficiency of ferroxidase. Last evaluated: 2022-07-12. Review status: criteria provided, single submitter. Criteria: Invitae Variant Classification Sherloc (09022015). Collection method: clinical testing. Allele origin: germline.
Comment: In summary, the available evidence is currently insufficient to determine the role of this variant in disease. Therefore, it has been classified as a Variant of Uncertain Significance. Advanced modeling of protein sequence and biophysical properties (such as structural, functional, and spatial information, amino acid conservation, physicochemical variation, residue mobility, and thermodynamic stability) performed at Invitae indicates that this missense variant is expected to disrupt CP protein function. ClinVar contains an entry for this variant (Variation ID: 903438). This variant has not been reported in the literature in individuals affected with CP-related conditions. This variant is present in population databases (rs201599525, gnomAD 0.007%). This sequence change replaces tyrosine, which is neutral and polar, with histidine, which is basic and polar, at codon 67 of the CP protein (p.Tyr67His).

Illumina Laboratory Services, Illumina
Classification: Uncertain significance for Deficiency of ferroxidase. Last evaluated: 2017-04-27. Review status: criteria provided, single submitter. Criteria: ICSL Variant Classification Criteria 13 December 2019. Collection method: clinical testing. Allele origin: germline.

NM_000096.4(CP):c.199T>C (p.Tyr67His)

Gene: CP (ceruloplasmin; minus strand). Cytogenetic location: 3q25.1.
Variant type: single nucleotide variant.
Coding change: c.199T>C on transcript NM_000096.4 (MANE Select); coding-DNA position 199, T replaced by C.
Protein change: p.Tyr67His; replaces tyrosine 67 with histidine.
Molecular consequence: missense variant. On other transcripts: non-coding transcript variant (1).
Genome position (GRCh38, 1-based): chr3:149,212,646, A>G on the plus strand (T>C on the coding strand, the complement: CP is on the minus strand). VCF-style: chr3-149212646-A-G. GRCh37 (hg19) VCF-style: chr3-148930433-A-G.
Other names: short protein forms Y67H.
Identifiers: ClinVar variation 903438 (VCV000903438.14), dbSNP rs201599525, ClinGen allele CA2661365.